The following is an entry in ClinVar:

NM_001127208.3(TET2):c.5303_5304insTACTTCATGGGAGCCACCTCTAGATTACCACCCAATCTGAGCAATCCAAACATGGACTATAAAAATGGTGAACATCATTCACCTTCTCACATAATCCATAACTACAGTGC (p.Ala1768_Ala1769insThrSerTrpGluProProLeuAspTyrHisProIleTer)

Genes: TET2 (tet methylcytosine dioxygenase 2; plus strand), TET2-AS1 (TET2 antisense RNA 1; minus strand). Cytogenetic location: 4q24.
Variant type: Insertion.
Coding change: c.5303_5304insTACTTCATGGGAGCCACCTCTAGATTACCACCCAATCTGAGCAATCCAAACATGGACTATAAAAATGGTGAACATCATTCACCTTCTCACATAATCCATAACTACAGTGC on transcript NM_001127208.3 (MANE Select); coding-DNA positions 5303 to 5304, TACTTCATGGGAGCCACCTCTAGATTACCACCCAATCTGAGCAATCCAAACATGGACTATAAAAATGGTGAACATCATTCACCTTCTCACATAATCCATAACTACAGTGC inserted.
Protein change: p.Ala1768_Ala1769insThrSerTrpGluProProLeuAspTyrHisProIleTer.
Molecular consequence: nonsense, inframe insertion.
Genome position: GRCh38: chr4:105,275,813-105,275,814. GRCh37 (hg19): chr4:106,196,970-106,196,971.
Identifiers: ClinVar variation 2700965 (VCV002700965.3), dbSNP rs2476750823, ClinGen allele CA2697546847.

ClinVar aggregate classification (germline): Uncertain significance (1 of 4 stars; one submission).

Submission:

Labcorp Genetics (formerly Invitae), Labcorp
Classification: Uncertain significance. Last evaluated: 2023-12-05. Review status: criteria provided, single submitter. Criteria: Invitae Variant Classification Sherloc (09022015). Collection method: clinical testing. Allele origin: germline.
Comment: This sequence change creates a premature translational stop signal (p.Ala1769Thrfs*13) in the TET2 gene. While this is not anticipated to result in nonsense mediated decay, it is expected to disrupt the last 234 amino acid(s) of the TET2 protein. This variant is not present in population databases (gnomAD no frequency). This variant has not been reported in the literature in individuals affected with TET2-related conditions. Experimental studies and prediction algorithms are not available or were not evaluated, and the functional significance of this variant is currently unknown. In summary, the available evidence is currently insufficient to determine the role of this variant in disease. Therefore, it has been classified as a Variant of Uncertain Significance.